The following is an entry in ClinVar:

NM_006030.4(CACNA2D2):c.1199C>T (p.Thr400Met)

Gene: CACNA2D2 (calcium voltage-gated channel auxiliary subunit alpha2delta 2; minus strand). Cytogenetic location: 3p21.31.
Variant type: single nucleotide variant.
Coding change: c.1199C>T on transcript NM_006030.4 (MANE Select); coding-DNA position 1199, C replaced by T.
Protein change: p.Thr400Met; replaces threonine 400 with methionine.
Molecular consequence: missense variant.
Genome position (GRCh38, 1-based): chr3:50,379,153, G>A on the plus strand (C>T on the coding strand, the complement: CACNA2D2 is on the minus strand). VCF-style: chr3-50379153-G-A. GRCh37 (hg19) VCF-style: chr3-50416584-G-A.
Other names: c.1199C>T, p.Thr400Met (NM_001005505.3, NM_001174051.3); c.992C>T, p.Thr331Met (NM_001291101.1); short protein forms T400M, T331M.
Identifiers: ClinVar variation 1511745 (VCV001511745.9), dbSNP rs753717572, ClinGen allele CA2418949.

ClinVar aggregate classification (germline): Uncertain significance (1 of 4 stars; one submission).

Conditions:
Early-infantile DEE. Also called: Early infantile epileptic encephalopathy; Ohtahara syndrome; Early infantile epileptic encephalopathy with suppression bursts. Identifiers: Orphanet 1934, MedGen C0393706, MONDO:0800491.

Allele frequency attached by ClinVar (database versions not stated): gnomAD exomes below 0.00001 and 0.00001; ExAC 0.00001.
gnomAD v4.1: 3 of 1,613,960 alleles (0.00019%); highest among the groups gnomAD compares: Admixed American, 0.0017%; no homozygotes.

Submission:

Labcorp Genetics (formerly Invitae), Labcorp
Classification: Uncertain significance for Early-infantile DEE. Last evaluated: 2021-02-18. Review status: criteria provided, single submitter. Criteria: Invitae Variant Classification Sherloc (09022015). Collection method: clinical testing. Allele origin: germline.
Comment: In summary, the available evidence is currently insufficient to determine the role of this variant in disease. Therefore, it has been classified as a Variant of Uncertain Significance. Algorithms developed to predict the effect of missense changes on protein structure and function are either unavailable or do not agree on the potential impact of this missense change (SIFT: "Deleterious"; PolyPhen-2: "Probably Damaging"; Align-GVGD: "Class C0"). This variant has not been reported in the literature in individuals with CACNA2D2-related conditions. This variant is present in population databases (rs753717572, ExAC 0.002%). This sequence change replaces threonine with methionine at codon 400 of the CACNA2D2 protein (p.Thr400Met). The threonine residue is moderately conserved and there is a moderate physicochemical difference between threonine and methionine.